The following is an entry in ClinVar:

ClinVar aggregate classification (germline): Uncertain significance. Review status: criteria provided, multiple submitters, no conflicts (2 of 4 stars). 3 submissions from 3 submitters: Uncertain significance (3). Last evaluated 2024-05-18.

Conditions:
C3-related disorder. Also called: C3-related condition.
Age related macular degeneration 9. Identifiers: MedGen C1969651, MONDO:0012659, OMIM 611378.
Atypical hemolytic-uremic syndrome with C3 anomaly. Also called: AHUS, SUSCEPTIBILITY TO, 5. Identifiers: Orphanet 2134, MedGen C2752037, MONDO:0013043, OMIM 612925.
Complement component 3 deficiency. Identifiers: Orphanet 280133, MedGen C3151071, MONDO:0013417, OMIM 613779.

Allele frequency attached by ClinVar (database versions not stated): TOPMed below 0.00001.

Submissions (3):

Fulgent Genetics
Classification: Uncertain significance for Age related macular degeneration 9; Atypical hemolytic-uremic syndrome with C3 anomaly; Complement component 3 deficiency. Last evaluated: 2024-05-18. Review status: criteria provided, single submitter. Criteria: ACMG Guidelines, 2015. Collection method: clinical testing. Allele origin: germline.

Labcorp Genetics (formerly Invitae), Labcorp
Classification: Uncertain significance. Last evaluated: 2023-08-27. Review status: criteria provided, single submitter. Criteria: Invitae Variant Classification Sherloc (09022015). Collection method: clinical testing. Allele origin: germline.
Comment: In summary, the available evidence is currently insufficient to determine the role of this variant in disease. Therefore, it has been classified as a Variant of Uncertain Significance. Advanced modeling of protein sequence and biophysical properties (such as structural, functional, and spatial information, amino acid conservation, physicochemical variation, residue mobility, and thermodynamic stability) performed at Invitae indicates that this missense variant is not expected to disrupt C3 protein function. This variant has not been reported in the literature in individuals affected with C3-related conditions. This variant is not present in population databases (gnomAD no frequency). This sequence change replaces proline, which is neutral and non-polar, with leucine, which is neutral and non-polar, at codon 1020 of the C3 protein (p.Pro1020Leu).

PreventionGenetics, part of Exact Sciences
Classification: Uncertain significance for C3-related condition. Last evaluated: 2023-08-01. Review status: criteria provided, single submitter. Criteria: ACMG Guidelines, 2015. Collection method: clinical testing. Allele origin: germline.
Comment: The C3 c.3059C>T variant is predicted to result in the amino acid substitution p.Pro1020Leu. To our knowledge, this variant has not been reported in the literature or in a large population database, indicating this variant is rare. At this time, the clinical significance of this variant is uncertain due to the absence of conclusive functional and genetic evidence.

NM_000064.4(C3):c.3059C>T (p.Pro1020Leu)

Gene: C3 (complement C3; minus strand). Cytogenetic location: 19p13.3.
Variant type: single nucleotide variant.
Coding change: c.3059C>T on transcript NM_000064.4 (MANE Select); coding-DNA position 3059, C replaced by T.
Protein change: p.Pro1020Leu; replaces proline 1020 with leucine.
Molecular consequence: missense variant.
Genome position (GRCh38, 1-based): chr19:6,694,526, G>A on the plus strand (C>T on the coding strand, the complement: C3 is on the minus strand). VCF-style: chr19-6694526-G-A. GRCh37 (hg19) VCF-style: chr19-6694537-G-A.
Other names: short protein forms P1020L.
Identifiers: ClinVar variation 2631766 (VCV002631766.5), dbSNP rs1918258356, ClinGen allele CA403628878.